The following is an entry in ClinVar:

NM_024675.4(PALB2):c.212A>G (p.Glu71Gly)

Gene: PALB2 (partner and localizer of BRCA2; minus strand). Cytogenetic location: 16p12.2.
Variant type: single nucleotide variant.
Coding change: c.212A>G on transcript NM_024675.4 (MANE Select); coding-DNA position 212, A replaced by G.
Protein change: p.Glu71Gly; replaces glutamic acid 71 with glycine.
Molecular consequence: missense variant.
Genome position (GRCh38, 1-based): chr16:23,636,334, T>C on the plus strand (A>G on the coding strand, the complement: PALB2 is on the minus strand). VCF-style: chr16-23636334-T-C. GRCh37 (hg19) VCF-style: chr16-23647655-T-C.
Other names: short protein forms E71G.
Identifiers: ClinVar variation 530031 (VCV000530031.11), dbSNP rs1555461877, ClinGen allele CA395138994.

ClinVar aggregate classification (germline): Uncertain significance. Review status: criteria provided, multiple submitters, no conflicts (2 of 4 stars). 4 submissions from 4 submitters: Uncertain significance (4). Last evaluated 2024-04-02.

Conditions:
Familial cancer of breast. Also called: BREAST CANCER, FAMILIAL; Hereditary breast cancer; hereditary breast carcinoma. Identifiers: Orphanet 227535, MedGen C0346153, MONDO:0016419, OMIM 114480. Disease mechanism: loss of function.
Hereditary cancer-predisposing syndrome. Also called: Hereditary neoplastic syndrome; Neoplastic Syndromes, Hereditary; Hereditary Cancer Syndrome; Tumor predisposition. Identifiers: Orphanet 140162, MedGen C0027672, MeSH D009386, MONDO:0015356.

Submissions (4):

ARUP Laboratories, Molecular Genetics and Genomics, ARUP Laboratories
Classification: Uncertain significance. Last evaluated: 2024-04-02. Review status: criteria provided, single submitter. Criteria: ARUP Molecular Germline Variant Investigation Process 2024. Collection method: clinical testing. Allele origin: germline.
Comment: The PALB2 c.212A>G; p.Glu71Gly variant (rs1555461877; ClinVar ID: 530031) is reported in the literature in an individual affected with breast cancer, although it was not demonstrated to be disease-causing (Breast Cancer Association Consortium 2021). This variant is absent from the Genome Aggregation Database (v2.1.1), indicating it is not a common polymorphism. Computational analyses predict that this variant is neutral (REVEL: 0.104). However, due to limited information, the clinical significance of this variant is uncertain at this time. References: Breast Cancer Association Consortium et al. Breast Cancer Risk Genes - Association Analysis in More than 113,000 Women. N Engl J Med. 2021 Feb 4;384(5):428-439. PMID: 33471991.

Ambry Genetics
Classification: Uncertain significance for Hereditary cancer-predisposing syndrome. Last evaluated: 2024-01-10. Review status: criteria provided, single submitter. Criteria: Ambry Variant Classification Scheme 2023. Collection method: clinical testing. Allele origin: germline.
Comment: The p.E71G variant (also known as c.212A>G) is located in coding exon 4 of the PALB2 gene. The glutamic acid at codon 71 is replaced by glycine, an amino acid with similar properties. This change occurs in the first base pair of coding exon 4. This amino acid position is highly conserved in available vertebrate species. In addition, this alteration is predicted to be tolerated by in silico analysis. Since supporting evidence is limited at this time, the clinical significance of this alteration remains unclear.

Labcorp Genetics (formerly Invitae), Labcorp
Classification: Uncertain significance for Familial cancer of breast. Last evaluated: 2023-11-06. Review status: criteria provided, single submitter. Criteria: Invitae Variant Classification Sherloc (09022015). Collection method: clinical testing. Allele origin: germline.
Comment: This sequence change replaces glutamic acid, which is acidic and polar, with glycine, which is neutral and non-polar, at codon 71 of the PALB2 protein (p.Glu71Gly). This variant is not present in population databases (gnomAD no frequency). This variant has not been reported in the literature in individuals affected with PALB2-related conditions. ClinVar contains an entry for this variant (Variation ID: 530031). An algorithm developed to predict the effect of missense changes on protein structure and function (PolyPhen-2) suggests that this variant is likely to be disruptive. In summary, the available evidence is currently insufficient to determine the role of this variant in disease. Therefore, it has been classified as a Variant of Uncertain Significance.

Color Diagnostics, LLC DBA Color Health
Classification: Uncertain significance for Hereditary cancer-predisposing syndrome. Last evaluated: 2023-04-03. Review status: criteria provided, single submitter. Criteria: ACMG Guidelines, 2015. Collection method: clinical testing. Allele origin: germline.
Comment: This missense variant replaces glutamic acid with glycine at codon 71 of the PALB2 protein. Computational prediction suggests that this variant may not impact protein structure and function (internally defined REVEL score threshold <= 0.5, PMID: 27666373). To our knowledge, functional studies have not been reported for this variant. This variant has been detected in a breast cancer case-control meta-analysis in 1/60466 cases and 0/53461 unaffected individuals (PMID: 33471991; Leiden Open Variation Database DB-ID PALB2_011200). This variant has not been identified in the general population by the Genome Aggregation Database (gnomAD). The available evidence is insufficient to determine the role of this variant in disease conclusively. Therefore, this variant is classified as a Variant of Uncertain Significance.

Literature cited by the submitters: PubMed 33471991 (cited by Color Diagnostics, LLC DBA Color Health).